The following is an entry in ClinVar:

ClinVar aggregate classification (germline): Likely pathogenic (1 of 4 stars; one submission).

Conditions:
Solitary median maxillary central incisor syndrome. Also called: FUSED INCISORS; SINGLE CENTRAL MAXILLARY INCISOR; Solitary median maxillary central incisor; SMMCI SYNDROME; Single Central Incisor Syndrome. Identifiers: MedGen C1840235, MONDO:0007819, OMIM 147250, HP:0006315.

Submission:

Laboratory of Molecular Genetics, CHU Rennes
Classification: Likely pathogenic for Solitary median maxillary central incisor syndrome. Last evaluated: 2025-02-27. Review status: criteria provided, single submitter. Criteria: ACMG Guidelines, 2015. Collection method: clinical testing. Allele origin: maternal. Inheritance: Oligogenic inheritance. Affected: yes.
Comment: The NM_000193.4:c.428G>A, is a missense variant in SHH in the Hedgehog domain (PM1), absent from controls (PM2), predicted pathogenic by prediction tools (PP3).

NM_000193.4(SHH):c.428G>A (p.Gly143Asp)

Gene: SHH (sonic hedgehog signaling molecule; minus strand). Cytogenetic location: 7q36.3.
Variant type: single nucleotide variant.
Coding change: c.428G>A on transcript NM_000193.4 (MANE Select); coding-DNA position 428, G replaced by A.
Protein change: p.Gly143Asp; replaces glycine 143 with aspartic acid.
Molecular consequence: missense variant. On other transcripts: non-coding transcript variant (2).
Genome position (GRCh38, 1-based): chr7:155,806,430, C>T on the plus strand (G>A on the coding strand, the complement: SHH is on the minus strand). VCF-style: chr7-155806430-C-T. GRCh37 (hg19) VCF-style: chr7-155599124-C-T.
Other names: c.167G>A, p.Gly56Asp (NM_001310462.2); short protein forms G143D, G56D.
Identifiers: ClinVar variation 3775123 (VCV003775123.1).
Genomic context (GRCh38, chr7:155,806,430, plus strand): 5'-CGGGCCAGCATGCCGTACTTGCTGCGGTCGCGGTCAGACGTGGTGATGTCCACTGCGCGG[C>T]CCTCGTAGTGCAGAGACTCCTCTGAGTGGTGGCCATCTTCGTCCCAGCCCTCGGTCACCC-3'
Protein context (NP_000184.1, residues 133-153): HHSEESLHYE[Gly143Asp]RAVDITTSDR